The following is an entry in ClinVar:

ClinVar aggregate classification (germline): Pathogenic. Review status: reviewed by expert panel (3 of 4 stars). 11 submissions from 11 submitters: Pathogenic (1). 10 of the submissions do not count toward it. Last evaluated 2016-04-22.

Conditions:
Hereditary cancer-predisposing syndrome. Also called: Tumor predisposition; Neoplastic Syndromes, Hereditary; Hereditary Cancer Syndrome; Hereditary neoplastic syndrome. Identifiers: Orphanet 140162, MedGen C0027672, MeSH D009386, MONDO:0015356.
Hereditary breast ovarian cancer syndrome. Also called: Hereditary breast and ovarian cancer syndrome (HBOC); Hereditary breast and ovarian cancer syndrome; Hereditary breast and ovarian cancer; Hereditary breast and/or ovarian cancer syndrome; Breast and ovarian cancer; BRCA1- and BRCA2-Associated Hereditary Breast and Ovarian Cancer. Identifiers: Orphanet 145, MedGen C0677776, MeSH D061325, MONDO:0003582. Disease mechanism: loss of function.
Breast-ovarian cancer, familial, susceptibility to, 1 (BROVCA1). Also called: OVARIAN CANCER, SUSCEPTIBILITY TO; BRCA1 Hereditary Breast and Ovarian Cancer. Identifiers: Orphanet 145, MedGen C2676676, MONDO:0011450, OMIM 604370. Disease mechanism: loss of function.

Allele frequency attached by ClinVar (database versions not stated): gnomAD exomes below 0.00001.

Submissions (11):

Evidence-based Network for the Interpretation of Germline Mutant Alleles (ENIGMA)
Classification: Pathogenic for Breast-ovarian cancer, familial, susceptibility to, 1. Last evaluated: 2016-04-22. Review status: reviewed by expert panel. Criteria: ENIGMA BRCA1/2 Classification Criteria (2015). Collection method: curation. Allele origin: germline.
Comment: Variant allele predicted to encode a truncated non-functional protein.

Ambry Genetics
Classification: Pathogenic for Hereditary cancer-predisposing syndrome. Last evaluated: 2025-10-14. Review status: criteria provided, single submitter. Criteria: Ambry Variant Classification Scheme 2023. Collection method: clinical testing. Allele origin: germline. Not counted in ClinVar's aggregate classification.
Comment: The c.2999delA pathogenic mutation, located in coding exon 9 of the BRCA1 gene, results from a deletion of one nucleotide at nucleotide position 2999, causing a translational frameshift with a predicted alternate stop codon (p.E1000Gfs*24). This alteration has been reported in one individual diagnosed with ovarian cancer unselected for family history and has been reported in other individuals with HBOC syndrome (Zhang S et al. Gynecol. Oncol. 2011 May; 121(2):353-7; Mote PA et al. Genes Chromosomes Cancer 2004 Mar; 39(3):236-48). Of note, this alteration is also known as 3118delA in published literature. In addition to the clinical data presented in the literature, this alteration is expected to result in loss of function by premature protein truncation or nonsense-mediated mRNA decay. As such, this alteration is interpreted as a disease-causing mutation.

Labcorp Genetics (formerly Invitae), Labcorp
Classification: Pathogenic for Hereditary breast ovarian cancer syndrome. Last evaluated: 2025-08-31. Review status: criteria provided, single submitter. Criteria: Invitae Variant Classification Sherloc (09022015). Collection method: clinical testing. Allele origin: germline. Not counted in ClinVar's aggregate classification.
Comment: This sequence change creates a premature translational stop signal (p.Glu1000Glyfs*24) in the BRCA1 gene. It is expected to result in an absent or disrupted protein product. Loss-of-function variants in BRCA1 are known to be pathogenic (PMID: 20104584). This variant is not present in population databases (gnomAD no frequency). This premature translational stop signal has been observed in individual(s) with a personal or family history of breast and/or ovarian cancer (PMID: 14732925, 21324516). This variant is also known as 3118delA. ClinVar contains an entry for this variant (Variation ID: 54744). For these reasons, this variant has been classified as Pathogenic.

GeneDx
Classification: Pathogenic. Last evaluated: 2025-07-22. Review status: criteria provided, single submitter. Criteria: GeneDx Variant Classification Process June 2021. Collection method: clinical testing. Allele origin: germline. Affected: yes. Not counted in ClinVar's aggregate classification.
Comment: Frameshift variant predicted to result in protein truncation or nonsense mediated decay in a gene for which loss of function is a known mechanism of disease; Not observed at significant frequency in large population cohorts (gnomAD); Truncating variants in this gene are considered pathogenic by a well-established clinical consortium and/or database; Identified in patients with breast or ovarian cancer in published literature (PMID: 17148771, 18159056, 18824701); Also known as 3118delA; This variant is associated with the following publications: (PMID: 28888541, 14732925, 18159056, 17148771, 21324516, 18824701, 16267036, 20104584, 37887578)

Baylor Genetics
Classification: Pathogenic for Breast-ovarian cancer, familial, susceptibility to, 1. Last evaluated: 2023-04-07. Review status: criteria provided, single submitter. Criteria: ACMG Guidelines, 2015. Collection method: clinical testing. Allele origin: unknown. Not counted in ClinVar's aggregate classification.

Women's Health and Genetics/Laboratory Corporation of America, LabCorp
Classification: Pathogenic for Hereditary breast and ovarian cancer syndrome. Last evaluated: 2019-04-08. Review status: criteria provided, single submitter. Criteria: LabCorp Variant Classification Summary - May 2015. Collection method: clinical testing. Allele origin: germline. Not counted in ClinVar's aggregate classification.
Comment: Variant summary: BRCA1 c.2999delA (p.Glu1000GlyfsX24) results in a premature termination codon, predicted to cause a truncation of the encoded protein or absence of the protein due to nonsense mediated decay, which are commonly known mechanisms for disease. Truncations downstream of this position have been classified as pathogenic by our laboratory (c.3026C>A, p.Ser1009X; c.3181delA, p.Ile1061fsX1; c.4222C>T, p.Gln1408X). The variant was absent in 245960 control chromosomes (gnomAD). The variant, c.2999delA, has been reported in the literature in individuals affected with Hereditary Breast and Ovarian Cancer (Rebbeck_2018). These data indicate that the variant is likely to be associated with disease. To our knowledge, no experimental evidence demonstrating an impact on protein function has been reported. Four clinical diagnostic laboratories and one expert panel have submitted clinical-significance assessments for this variant to ClinVar after 2014 without evidence for independent evaluation. All submitters classified the variant as pathogenic. Based on the evidence outlined above, the variant was classified as pathogenic.

Quest Diagnostics Nichols Institute San Juan Capistrano
Classification: Pathogenic. Last evaluated: 2017-03-03. Review status: criteria provided, single submitter. Criteria: Quest Diagnostics criteria. Collection method: clinical testing. Allele origin: germline. Not counted in ClinVar's aggregate classification.

Consortium of Investigators of Modifiers of BRCA1/2 (CIMBA), c/o University of Cambridge
Classification: Pathogenic for Breast-ovarian cancer, familial, susceptibility to, 1. Last evaluated: 2015-10-02. Review status: criteria provided, single submitter. Criteria: CIMBA Mutation Classification guidelines May 2016. Collection method: clinical testing. Allele origin: germline. Not counted in ClinVar's aggregate classification.

Research Molecular Genetics Laboratory, Women's College Hospital, University of Toronto
Classification: Pathogenic for Hereditary breast ovarian cancer syndrome. Last evaluated: 2014-01-31. Review status: no assertion criteria provided. Collection method: research. Allele origin: germline. Affected: yes. Study: The Canadian Open Genetics Repository (COGR). Not counted in ClinVar's aggregate classification.

Sharing Clinical Reports Project (SCRP)
Classification: Pathogenic for Breast-ovarian cancer, familial 1. Last evaluated: 2012-05-01. Review status: no assertion criteria provided. Collection method: clinical testing. Allele origin: germline. Not counted in ClinVar's aggregate classification.

Breast Cancer Information Core (BIC) (BRCA1)
Classification: Pathogenic for Breast-ovarian cancer, familial 1. Last evaluated: 2002-05-29. Review status: no assertion criteria provided. Collection method: clinical testing. Allele origin: germline, unknown. Affected: yes. Observed: 5 variant alleles. Not counted in ClinVar's aggregate classification.

Literature cited by the submitters: PubMed 14732925 (cited by 3 submitters); PubMed 17148771 (cited by Ambry Genetics); PubMed 18824701 (cited by Ambry Genetics and Quest Diagnostics Nichols Institute San Juan Capistrano); PubMed 21324516 (cited by 3 submitters); PubMed 20104584 (cited by Labcorp Genetics (formerly Invitae), Labcorp); PubMed 29446198 (cited by Women's Health and Genetics/Laboratory Corporation of America, LabCorp).

NM_007294.4(BRCA1):c.2999del (p.Glu1000fs)

Gene: BRCA1 (BRCA1 DNA repair associated; minus strand). Cytogenetic location: 17q21.31.
Variant type: Deletion.
Coding change: c.2999del on transcript NM_007294.4 (MANE Select); coding-DNA position 2999, one base deleted (A; older notation c.2999delA).
Protein change: p.Glu1000fs; shifts the reading frame from glutamic acid 1000.
Molecular consequence: frameshift variant. On other transcripts: intron variant (137).
Genome position (GRCh38, 1-based): chr17:43,092,532, T deleted on the plus strand (A on the coding strand, the reverse complement: BRCA1 is on the minus strand). VCF-style (leftmost placement, unchanged base first): chr17-43092531-CT-C. GRCh37 (hg19) VCF-style: chr17-41244548-CT-C.
Other names: 3118delA; c.2786del, p.Glu929fs (NM_001407571.1, NM_001407853.1, NM_001407894.1 and 9 more transcripts); c.2999del, p.Glu1000fs (NM_001407581.1, NM_001407582.1, NM_001407583.1 and 30 more transcripts); c.2996del, p.Glu999fs (NM_001407587.1, NM_001407590.1, NM_001407591.1 and 22 more transcripts); c.2990del, p.Glu997fs (NM_001407646.1, NM_001407647.1); c.2876del, p.Glu959fs (NM_001407648.1, NM_001407664.1, NM_001407665.1 and 19 more transcripts); c.2873del, p.Glu958fs (NM_001407649.1, NM_001407670.1, NM_001407671.1 and 11 more transcripts); c.2921del, p.Glu974fs (NM_001407653.1, NM_001407654.1, NM_001407655.1 and 4 more transcripts); and 42 more; short protein forms E1000fs, E953fs, E832fs, E873fs, E911fs, E932fs, E933fs, E959fs.
Identifiers: ClinVar variation 54744 (VCV000054744.26), dbSNP rs80357991, ClinGen allele CA001952.